The following is an entry in ClinVar:

ClinVar aggregate classification (germline): Uncertain significance (1 of 4 stars; one submission).

Conditions:
Malignant hyperthermia, susceptibility to, 1 (MHS1). Also called: Anesthesia related hyperthermia; Malignant hyperpyrexia; Fulminating hyperpyrexia; Pharmacogenic myopathy; RYR1-Related Malignant Hyperthermia Susceptibility; Malignant hyperthermia suceptibility 1. Identifiers: Orphanet 423, MedGen C2930980, MONDO:0007783, OMIM 145600.

Submission:

All of Us Research Program, National Institutes of Health
Classification: Uncertain significance for Malignant hyperthermia, susceptibility to, 1. Last evaluated: 2023-09-04. Review status: criteria provided, single submitter. Criteria: ACMG Guidelines, 2015. Collection method: clinical testing. Allele origin: germline. Inheritance: Autosomal dominant inheritance. Observed: 1 variant allele, 1 heterozygote.
Comment: This missense variant replaces asparagine with isoleucine at codon 4807 of the RYR1 protein. Computational prediction suggests that this variant may have deleterious impact on protein structure and function (internally defined REVEL score threshold >= 0.7, PMID: 27666373). To our knowledge, functional studies have not been reported for this variant. This variant has not been reported in individuals affected with RYR1-related disorders in the literature. This variant has not been identified in the general population by the Genome Aggregation Database (gnomAD). The available evidence is insufficient to determine the role of this variant in disease conclusively. Therefore, this variant is classified as a Variant of Uncertain Significance.

This study involves interpretation of variants in research participants for the purpose of population health screening. Participant phenotype was not available at the time of variant classification. Additional details can be found in publication PMID: 35346344, PMCID: PMC8962531

NM_000540.3(RYR1):c.14420A>T (p.Asn4807Ile)

Gene: RYR1 (ryanodine receptor 1; plus strand). Cytogenetic location: 19q13.2.
Variant type: single nucleotide variant.
Coding change: c.14420A>T on transcript NM_000540.3 (MANE Select); coding-DNA position 14420, A replaced by T.
Protein change: p.Asn4807Ile; replaces asparagine 4807 with isoleucine.
Molecular consequence: missense variant.
Genome position (GRCh38, 1-based): chr19:38,580,037, A>T. VCF-style: chr19-38580037-A-T. GRCh37 (hg19) VCF-style: chr19-39070677-A-T.
Other names: c.14405A>T, p.Asn4802Ile (NM_001042723.2); short protein forms N4802I, N4807I.
Identifiers: ClinVar variation 3073287 (VCV003073287.1), dbSNP rs1368251556, ClinGen allele CA405687037.